The following is an entry in ClinVar:

ClinVar aggregate classification (germline): Uncertain significance (1 of 4 stars; one submission).

Submission:

Labcorp Genetics (formerly Invitae), Labcorp
Classification: Uncertain significance. Last evaluated: 2021-09-29. Review status: criteria provided, single submitter. Criteria: Invitae Variant Classification Sherloc (09022015). Collection method: clinical testing. Allele origin: germline.
Comment: In summary, the available evidence is currently insufficient to determine the role of this variant in disease. Therefore, it has been classified as a Variant of Uncertain Significance. Experimental studies and prediction algorithms are not available or were not evaluated, and the functional significance of this variant is currently unknown. This variant has not been reported in the literature in individuals with MSH3-related conditions. This variant is an in-frame deletion of the genomic region encompassing exon(s) 17 of the MSH3 gene. It preserves the integrity of the reading frame.

NC_000005.9:g.(?_80074529)_(80074665_?)del

Gene: MSH3 (mutS homolog 3; plus strand). Cytogenetic location: 5q14.1.
Variant type: Deletion.
Identifiers: ClinVar variation 1061032 (VCV001061032.5).